The following is an entry in ClinVar:

ClinVar aggregate classification (germline): Benign/Likely benign. Review status: criteria provided, multiple submitters, no conflicts (2 of 4 stars). 6 submissions from 6 submitters: Benign (1); Likely benign (4). 1 of the submissions does not count toward it. Last evaluated 2026-01-27.

Conditions:
Mitochondrial complex II deficiency, nuclear type 1. Also called: SUCCINATE CoQ REDUCTASE DEFICIENCY. Identifiers: Orphanet 3208, MedGen C5700310, MONDO:0100294, OMIM 252011.
Pheochromocytoma/paraganglioma syndrome 5. Also called: Paragangliomas 5; SDHA-Related Hereditary Paraganglioma-Pheochromocytoma Syndrome. Identifiers: Orphanet 29072, MedGen C3279992, MONDO:0013602, OMIM 614165.
Hereditary cancer-predisposing syndrome. Also called: Hereditary Cancer Syndrome; Hereditary neoplastic syndrome; Neoplastic Syndromes, Hereditary; Tumor predisposition. Identifiers: Orphanet 140162, MedGen C0027672, MeSH D009386, MONDO:0015356.

Allele frequency attached by ClinVar (database versions not stated): ExAC 0.00002; gnomAD 0.00004; gnomAD exomes 0.00004 and 0.00007; TOPMed 0.00005.
gnomAD v4.1: 99 of 1,613,774 alleles (0.0061%); highest among the groups gnomAD compares: Non-Finnish European, 0.0083%; no homozygotes.

Submissions (6):

Labcorp Genetics (formerly Invitae), Labcorp
Classification: Likely benign for Pheochromocytoma/paraganglioma syndrome 5; Mitochondrial complex II deficiency, nuclear type 1. Last evaluated: 2026-01-27. Review status: criteria provided, single submitter. Criteria: Invitae Variant Classification Sherloc (09022015). Collection method: clinical testing. Allele origin: germline.

Quest Diagnostics Nichols Institute San Juan Capistrano
Classification: Likely benign. Last evaluated: 2025-03-07. Review status: criteria provided, single submitter. Criteria: Quest Diagnostics criteria. Collection method: clinical testing. Allele origin: unknown.

Myriad Genetics, Inc.
Classification: Benign for Pheochromocytoma/paraganglioma syndrome 5. Last evaluated: 2023-04-21. Review status: criteria provided, single submitter. Criteria: Myriad Autosomal Dominant, Autosomal Recessive and X-Linked Classification Criteria (2023). Collection method: clinical testing. Allele origin: unknown.
Comment: This variant is considered benign. This variant is a silent/synonymous amino acid change and it is not expected to impact splicing.

Ambry Genetics
Classification: Likely benign for Hereditary cancer-predisposing syndrome. Last evaluated: 2017-08-29. Review status: criteria provided, single submitter. Criteria: Ambry Variant Classification Scheme 2023. Collection method: clinical testing. Allele origin: germline.

GeneDx
Classification: Likely benign. Last evaluated: 2016-12-08. Review status: criteria provided, single submitter. Criteria: GeneDx Variant Classification (06012015). Collection method: clinical testing. Allele origin: germline. Affected: yes.
Comment: This variant is considered likely benign or benign based on one or more of the following criteria: it is a conservative change, it occurs at a poorly conserved position in the protein, it is predicted to be benign by multiple in silico algorithms, and/or has population frequency not consistent with disease.

Counsyl
Classification: Likely benign for Pheochromocytoma/paraganglioma syndrome 5. Last evaluated: 2016-10-05. Review status: no assertion criteria provided. Collection method: clinical testing. Allele origin: unknown. Not counted in ClinVar's aggregate classification.

NM_004168.4(SDHA):c.513T>C (p.Arg171=)

Gene: SDHA (succinate dehydrogenase complex flavoprotein subunit A; plus strand). Cytogenetic location: 5p15.33.
Variant type: single nucleotide variant.
Coding change: c.513T>C on transcript NM_004168.4 (MANE Select); coding-DNA position 513, T replaced by C.
Protein change: p.Arg171=; no amino-acid change (arginine 171 retained).
Molecular consequence: synonymous variant.
Genome position (GRCh38, 1-based): chr5:225,939, T>C. VCF-style: chr5-225939-T-C. GRCh37 (hg19) VCF-style: chr5-226054-T-C.
Other names: c.369T>C, p.Arg123= (NM_001294332.2); c.513T>C, p.Arg171= (NM_001330758.2).
Identifiers: ClinVar variation 239673 (VCV000239673.20), dbSNP rs765157205, ClinGen allele CA3172864.